The following is an entry in ClinVar:

NM_021813.4(BACH2):c.1499G>T (p.Cys500Phe)

Gene: BACH2 (BACH transcriptional regulator 2; minus strand). Cytogenetic location: 6q15.
Variant type: single nucleotide variant.
Coding change: c.1499G>T on transcript NM_021813.4 (MANE Select); coding-DNA position 1499, G replaced by T.
Protein change: p.Cys500Phe; replaces cysteine 500 with phenylalanine.
Molecular consequence: missense variant.
Genome position (GRCh38, 1-based): chr6:89,950,607, C>A on the plus strand (G>T on the coding strand, the complement: BACH2 is on the minus strand). VCF-style: chr6-89950607-C-A. GRCh37 (hg19) VCF-style: chr6-90660326-C-A.
Other names: c.1499G>T, p.Cys500Phe (NM_001170794.2); short protein forms C500F.
Identifiers: ClinVar variation 2810063 (VCV002810063.3), dbSNP rs1203834121, ClinGen allele CA365070703.

ClinVar aggregate classification (germline): Uncertain significance (1 of 4 stars; one submission).

gnomAD v4.1: 1 of 1,613,474 alleles (0.000062%); no homozygotes.

Submission:

Labcorp Genetics (formerly Invitae), Labcorp
Classification: Uncertain significance. Last evaluated: 2022-10-27. Review status: criteria provided, single submitter. Criteria: Invitae Variant Classification Sherloc (09022015). Collection method: clinical testing. Allele origin: germline.
Comment: This sequence change replaces cysteine, which is neutral and slightly polar, with phenylalanine, which is neutral and non-polar, at codon 500 of the BACH2 protein (p.Cys500Phe). The frequency data for this variant in the population databases is considered unreliable, as metrics indicate poor data quality at this position in the gnomAD database. This variant has not been reported in the literature in individuals affected with BACH2-related conditions. Advanced modeling of protein sequence and biophysical properties (such as structural, functional, and spatial information, amino acid conservation, physicochemical variation, residue mobility, and thermodynamic stability) has been performed at Invitae for this missense variant, however the output from this modeling did not meet the statistical confidence thresholds required to predict the impact of this variant on BACH2 protein function. In summary, the available evidence is currently insufficient to determine the role of this variant in disease. Therefore, it has been classified as a Variant of Uncertain Significance.